The following is an entry in ClinVar:

ClinVar aggregate classification (germline): Conflicting classifications of pathogenicity. Review status: criteria provided, conflicting classifications (1 of 4 stars). 4 submissions from 4 submitters: Likely pathogenic (1); Uncertain significance (2). 1 of the submissions does not count toward it. Last evaluated 2024-08-09.

Conditions:
Combined malonic and methylmalonic acidemia. Identifiers: Orphanet 289504, MedGen C3280314, MONDO:0013661, OMIM 614265.

Allele frequency attached by ClinVar (database versions not stated): ExAC 0.00002; gnomAD 0.00003 and 0.00004; gnomAD exomes 0.00004 and 0.00005; TOPMed 0.00006; ESP Exome Variant Server 0.00008.

Submissions (4):

Women's Health and Genetics/Laboratory Corporation of America, LabCorp
Classification: Uncertain significance. Last evaluated: 2024-08-09. Review status: criteria provided, single submitter. Criteria: LabCorp Variant Classification Summary - May 2015. Collection method: clinical testing. Allele origin: germline.
Comment: Variant summary: ACSF3 c.1721dupA (p.His574GlnfsX46) causes a frameshift which results in an extension of the protein. The variant allele was found at a frequency of 4.4e-05 in 248730 control chromosomes. This frequency is not significantly higher than estimated for a pathogenic variant in ACSF3 causing Combined Malonic And Methylmalonic Aciduria (4.4e-05 vs 0.0058), allowing no conclusion about variant significance. c.1721dupA has been reported in the literature in individuals affected with nuchal translucency, abnormal heart morphology, and microcephaly (Mor-Shaked_2021). This report does not provide unequivocal conclusions about association of the variant with Combined Malonic And Methylmalonic Aciduria. To our knowledge, no experimental evidence demonstrating an impact on protein function has been reported. The following publication has been ascertained in the context of this evaluation (PMID: 33223529). ClinVar contains an entry for this variant (Variation ID: 977073). Based on the evidence outlined above, the variant was classified as uncertain significance.

GeneDx
Classification: Uncertain significance. Last evaluated: 2020-09-16. Review status: criteria provided, single submitter. Criteria: GeneDx Variant Classification Process June 2021. Collection method: clinical testing. Allele origin: germline. Affected: yes.
Comment: Not observed at a significant frequency in large population cohorts (Lek et al., 2016); Frameshift variant predicted to result in protein truncation as the last 3 amino acids are replaced with 45 different amino acids, although loss-of-function variants have not been reported downstream of this position in the protein; Has not been previously published as pathogenic or benign to our knowledge

Hadassah Hebrew University Medical Center
Classification: Likely pathogenic for Combined malonic and methylmalonic aciduria. Last evaluated: 2019-06-20. Review status: criteria provided, single submitter. Criteria: ACMG Guidelines, 2015. Collection method: clinical testing. Allele origin: germline.

Natera, Inc.
Classification: Uncertain significance for Combined malonic and methylmalonic aciduria. Last evaluated: 2020-09-21. Review status: no assertion criteria provided. Collection method: clinical testing. Allele origin: germline. Not counted in ClinVar's aggregate classification.

Literature cited by the submitters: PubMed 33223529 (cited by Women's Health and Genetics/Laboratory Corporation of America, LabCorp and Hadassah Hebrew University Medical Center).

NM_001243279.3(ACSF3):c.1721dup (p.His574fs)

Gene: ACSF3 (acyl-CoA synthetase family member 3; plus strand). Cytogenetic location: 16q24.3.
Variant type: Duplication.
Coding change: c.1721dup on transcript NM_001243279.3 (MANE Select); coding-DNA position 1721, one base duplicated (A; older notation c.1721dupA).
Protein change: p.His574fs; shifts the reading frame from histidine 574.
Molecular consequence: frameshift variant. On other transcripts: non-coding transcript variant (4).
Genome position (GRCh38, 1-based): chr16:89,154,197, A duplicated. VCF-style (leftmost placement, unchanged base first): chr16-89154196-C-CA. GRCh37 (hg19) VCF-style: chr16-89220604-C-CA.
Other names: c.1721dup, p.His574fs (NM_001127214.4, NM_174917.5); c.926dup, p.His309fs (NM_001284316.2); c.1721dupA (NM_001127214.4, NM_174917.4, NM_174917.5); short protein forms H309fs, H574fs.
Identifiers: ClinVar variation 977073 (VCV000977073.13), dbSNP rs768886326, ClinGen allele CA8238381.
Genomic context (GRCh38, chr16:89,154,196, plus strand): 5'-GAGGAGATCCCGCGGAACCAGATGGGCAAGATTGACAAGAAGGCGCTCATCAGGCACTTC[C>CA]ACCCCTCATGACCCGGCAGACTGGGACTGCGGGTCTGGTGGGGAGCAGCAGACGTCCCCT-3'